The following is an entry in ClinVar:

ClinVar aggregate classification (germline): Uncertain significance (1 of 4 stars; one submission).

Conditions:
Marfan syndrome (MFS). Also called: MARFAN SYNDROME, TYPE I; Marfan syndrome type 1; Marfan's syndrome; Marfan syndrome, classic; FBN1-Related Marfan Syndrome. Identifiers: Orphanet 284963, Orphanet 558, MedGen C0024796, MONDO:0007947, OMIM 154700.
Familial thoracic aortic aneurysm and aortic dissection (TAAD). Also called: Thoracic aortic aneurysms and dissections. Identifiers: Orphanet 91387, MedGen C4707243, MONDO:0019625.

Submission:

Labcorp Genetics (formerly Invitae), Labcorp
Classification: Uncertain significance for Marfan syndrome; Familial thoracic aortic aneurysm and aortic dissection. Last evaluated: 2025-12-08. Review status: criteria provided, single submitter. Criteria: Invitae Variant Classification Sherloc (09022015). Collection method: clinical testing. Allele origin: germline.
Comment: This sequence change replaces asparagine, which is neutral and polar, with lysine, which is basic and polar, at codon 1411 of the FBN1 protein (p.Asn1411Lys). This variant is not present in population databases (gnomAD no frequency). This variant has not been reported in the literature in individuals affected with FBN1-related conditions. ClinVar contains an entry for this variant (Variation ID: 3752082). Invitae Evidence Modeling of protein sequence and biophysical properties (such as structural, functional, and spatial information, amino acid conservation, physicochemical variation, residue mobility, and thermodynamic stability) has been performed for this missense variant. However, the output from this modeling did not meet the statistical confidence thresholds required to predict the impact of this variant on FBN1 protein function. In summary, the available evidence is currently insufficient to determine the role of this variant in disease. Therefore, it has been classified as a Variant of Uncertain Significance.

NM_000138.5(FBN1):c.4233C>A (p.Asn1411Lys)

Genes: FBN1 (fibrillin 1; minus strand), LOC126862124 (CDK7 strongly-dependent group 2 enhancer GRCh37_chr15:48764566-48765765; plus strand). Cytogenetic location: 15q21.1.
Variant type: single nucleotide variant.
Coding change: c.4233C>A on transcript NM_000138.5 (MANE Select); coding-DNA position 4233, C replaced by A.
Protein change: p.Asn1411Lys; replaces asparagine 1411 with lysine.
Molecular consequence: missense variant.
Genome position (GRCh38, 1-based): chr15:48,472,654, G>T on the plus strand (C>A on the coding strand, the complement: FBN1 is on the minus strand). VCF-style: chr15-48472654-G-T. GRCh37 (hg19) VCF-style: chr15-48764851-G-T.
Other names: c.4233C>A, p.Asn1411Lys (NM_001406716.1); short protein forms N1411K.
Identifiers: ClinVar variation 3752082 (VCV003752082.2).
Genomic context (GRCh38, chr15:48,472,654, plus strand): 5'-GCATTCACAGCGGTATCCTCCTGGTGCATTGAGGCACTGGCCATTGCCACAGAGATTCAG[G>T]TTCTCAGAGCACTCATCAAGGTCTACAGCCAGAAAGAAACACACGTTACTCTTCCTCGGT-3'
Protein context (NP_000129.3, residues 1401-1421): TCTDLDECSE[Asn1411Lys]LNLCGNGQCL